The following is an entry in ClinVar:

NM_007294.4(BRCA1):c.116G>A (p.Cys39Tyr)

Gene: BRCA1 (BRCA1 DNA repair associated; minus strand). Cytogenetic location: 17q21.31.
Variant type: single nucleotide variant.
Coding change: c.116G>A on transcript NM_007294.4 (MANE Select); coding-DNA position 116, G replaced by A.
Protein change: p.Cys39Tyr; replaces cysteine 39 with tyrosine.
Molecular consequence: missense variant. On other transcripts: non-coding transcript variant (1), intron variant (1).
Genome position (GRCh38, 1-based): chr17:43,115,744, C>T on the plus strand (G>A on the coding strand, the complement: BRCA1 is on the minus strand). VCF-style: chr17-43115744-C-T. GRCh37 (hg19) VCF-style: chr17-41267761-C-T.
Other names: c.116G>A, p.Cys39Tyr (NM_001407642.1, NM_001407644.1, NM_001407645.1 and 192 more transcripts); c.-142G>A (NM_001407727.1, NM_001407731.1, NM_001407733.1 and 13 more transcripts); c.-26G>A (NM_001407728.1, NM_001407729.1, NM_001407730.1 and 47 more transcripts); c.-22G>A (NM_001407841.1); c.-73G>A (NM_001407853.1, NM_001407879.1, NM_001407882.1 and 52 more transcripts); c.-189G>A (NM_001407889.1, NM_001407900.1, NM_001408492.1); c.-188G>A (NM_001407960.1, NM_001407962.1, NM_001408510.1 and 1 more transcripts); c.-304G>A (NM_001407965.1); and 2 more; short protein forms C39Y.
Identifiers: ClinVar variation 37392 (VCV000037392.74), dbSNP rs80357498, ClinGen allele CA000772.
Genomic context (GRCh38, chr17:43,115,744, plus strand): 5'-ACAAAAGCTAATAATGGAGCCACATAACACATTCAAACTTACTTGCAAAATATGTGGTCA[C>T]ACTTTGTGGAGACAGGTTCCTTGATCAACTCCAGACTAGCAGGGTAGGGGGGGAGAAAAA-3'
Protein context (NP_009225.1, residues 29-49): ELIKEPVSTK[Cys39Tyr]DHIFCKFCML

ClinVar aggregate classification (germline): Pathogenic/Likely pathogenic. Review status: criteria provided, multiple submitters, no conflicts (2 of 4 stars). 20 submissions from 20 submitters: Pathogenic (13); Likely pathogenic (1). 6 of the submissions do not count toward it. Last evaluated 2026-07-14.

Conditions:
Hereditary cancer-predisposing syndrome. Also called: Neoplastic Syndromes, Hereditary; Tumor predisposition; Hereditary Cancer Syndrome; Hereditary neoplastic syndrome. Identifiers: Orphanet 140162, MedGen C0027672, MeSH D009386, MONDO:0015356.
Breast neoplasm. Also called: Neoplasm of breast; Breast tumor; Breast Neoplasms; Neoplasm of the breast. Identifiers: MedGen C1458155, MeSH D001943, MONDO:0021100, HP:0100013. Disease mechanism: gain of function.
Hereditary breast ovarian cancer syndrome. Also called: Hereditary breast and ovarian cancer; Breast and ovarian cancer; Hereditary breast and/or ovarian cancer syndrome; Hereditary breast and ovarian cancer syndrome (HBOC); Hereditary breast and ovarian cancer syndrome; BRCA1- and BRCA2-Associated Hereditary Breast and Ovarian Cancer. Identifiers: Orphanet 145, MedGen C0677776, MeSH D061325, MONDO:0003582. Disease mechanism: loss of function.
Malignant tumor of urinary bladder. Also called: Bladder cancer; Urinary Bladder Neoplasms; Urinary bladder cancer. Identifiers: MedGen C0005684, MONDO:0001187, OMIM 109800.
Breast-ovarian cancer, familial, susceptibility to, 1 (BROVCA1). Also called: OVARIAN CANCER, SUSCEPTIBILITY TO; BRCA1 Hereditary Breast and Ovarian Cancer. Identifiers: Orphanet 145, MedGen C2676676, MONDO:0011450, OMIM 604370. Disease mechanism: loss of function.

Allele frequency attached by ClinVar (database versions not stated): TOPMed below 0.00001; gnomAD 0.00003.

Submissions 1 to 4 of 21:

German Consortium for Hereditary Breast and Ovarian Cancer, University Hospital Cologne
Classification: Likely pathogenic for Hereditary breast ovarian cancer syndrome. Last evaluated: 2026-07-14. Review status: criteria provided, single submitter. Criteria: ClinGen BRCA1 1.2.0. Collection method: curation. Allele origin: germline.
Comment: This classification follows the ClinGen ENIGMA BRCA1 v1.2.0 classification scheme; We chose these criteria: PS3 (strong pathogenic): Reported by two calibrated studies to exhibit protein function similar to pathogenic control variants (PMIDs:30209399, 32546644) (PS3 met).", PM2 (supporting pathogenic): absent gnomAD v2.1.1 non cancer exomes, gnomAD v3.1 non-cancer, genomes, PP3 (supporting pathogenic): BayesDel no AF= 0.57077

Labcorp Genetics (formerly Invitae), Labcorp
Classification: Pathogenic for Hereditary breast ovarian cancer syndrome. Last evaluated: 2026-01-26. Review status: criteria provided, single submitter. Criteria: Invitae Variant Classification Sherloc (09022015). Collection method: clinical testing. Allele origin: germline.
Comment: This sequence change replaces cysteine, which is neutral and slightly polar, with tyrosine, which is neutral and polar, at codon 39 of the BRCA1 protein (p.Cys39Tyr). This variant is present in population databases (rs80357498, gnomAD 0.007%). This missense change has been observed in individual(s) with breast and/or ovarian cancer (PMID: 9808526, 21232165, 22752604, 22923021, 23397983, 26852130). This variant is also known as 235G>A. ClinVar contains an entry for this variant (Variation ID: 37392). Invitae Evidence Modeling incorporating data from in vitro experimental studies (PMID: 30209399) indicates that this missense variant is expected to disrupt BRCA1 function with a positive predictive value of 95%. Experimental studies have shown that this missense change affects BRCA1 function (PMID: 11320250, 20103620, 21725363, 21922593, 23161852, 27272900). This variant disrupts the p.Cys39 amino acid residue in BRCA1. Other variant(s) that disrupt this residue have been determined to be pathogenic (PMID: 12827452, 18500671, 19504351, 19543972, 21990134, 23683081). This suggests that this residue is clinically significant, and that variants that disrupt this residue are likely to be disease-causing. For these reasons, this variant has been classified as Pathogenic.

Ambry Genetics
Classification: Pathogenic for Hereditary cancer-predisposing syndrome. Last evaluated: 2024-12-20. Review status: criteria provided, single submitter. Criteria: Ambry Variant Classification Scheme 2023. Collection method: clinical testing. Allele origin: germline.
Comment: The p.C39Y pathogenic mutation (also known as c.116G>A), located in coding exon 2 of the BRCA1 gene, results from a G to A substitution at nucleotide position 116. The cysteine at codon 39 is replaced by tyrosine, an amino acid with highly dissimilar properties. The cysteine at codon 39 is a putative zinc-binding residue occurring in the functionally important RING domain of the BRCA1 protein. Cells with p.C39Y are deficient in the control of centrosome number (Kais Z et al. Oncogene. 2012 Feb 9;31(6):799-804). Other studies have demonstrated abolishment and decreased activity of ubiquitin protein ligase function the BRCA1 RING finger in vitro (Ruffner H et al. Proc Natl Acad Sci U S A. 2001 Apr 24;98(9):5134-9; Starita LM et al. Genetics. 2015 Jun;200(2):413-22). In addition, p.C39Y failed to reverse gamma radiation (IR) hypersensitivity in vivo (Ruffner H et al. Proc Natl Acad Sci U S A. 2001 Apr 24;98(9):5134-9). Furthermore, cells with p.C39Y were found to be defective in the repair of double-strand breaks by homology-directed recombination (HDR) and double-strand break repair by the single-strand annealing (SSA) pathway (Towler WI et al. Hum Mutat. 2013 Mar;34(3):439-45). Other studies found cells with p.C39Y to be deficient in BARD1 binding (Ransburgh DJ et al. Cancer Res. 2010 Feb 1;70(3):988-95; Starita LM et al. Genetics. 2015 Jun;200(2):413-22). One functional study found that this nucleotide substitution is non-functional in a high-throughput, genome editing, haploid cell survival assay (Findlay GM et al. Nature, 2018 10;562:217-222). In addition to these functional studies, this mutation has been identified in multiple breast and/or ovarian cancer families to date (Santarosa M et al. Int J Cancer. 1998 Nov 23;78(5):581-6; Stegel V et al. BMC Med Genet. 2011 Jan 14;12:9; Juwle A et al. Med Oncol. 2012 Dec;29(5):3272-81; Krajc M et al. Clin Genet, 2014 Jan;85:59-63; Cini G et al. BMC Med Genet, 2016 Feb;17:11; Rebbeck TR et al. Hum Mutat, 2018 05;39:593-620; Bakkach J et al. BMC Cancer, 2020 Sep;20:859). Furthermore, a different alteration at the same codon, p.C39R, has been classified as definitely pathogenic (p>0.99) by multifactorial analysis, which integrates the following lines of evidence to produce a quantitative likelihood of pathogenicity: in silico prediction models, segregation with disease, tumor characteristics, mutation co-occurrence, and functional assay results (Easton D et al. Am J Hum Genet. 2007;81:873-883; Vallee M et al. Hum Mutat. 2012 Jan;33(1):22-8). This amino acid position is highly conserved in available vertebrate species. In addition, this alteration is predicted to be deleterious by in silico analysis. Based on the supporting evidence, this alteration is interpreted as a disease-causing mutation.

All of Us Research Program, National Institutes of Health
Classification: Pathogenic for Breast-ovarian cancer, familial, susceptibility to, 1. Last evaluated: 2023-10-02. Review status: criteria provided, single submitter. Criteria: ACMG Guidelines, 2015. Collection method: clinical testing. Allele origin: germline. Inheritance: Autosomal dominant inheritance. Observed: 1 variant allele, 1 heterozygote.
Comment: This missense variant replaces cysteine with tyrosine at codon 39 of the BRCA1 protein. Computational prediction suggests that this variant may have deleterious impact on protein structure and function (internally defined REVEL score threshold >= 0.7, PMID: 27666373). Functional studies have reported that this variant impacts BRCA1 function in homology-directed DNA repair, ubiquitin E3 ligase, haploid cell proliferation, centrosome duplication and yeast colony size assays (PMID: 11320250, 20103620, 21725363, 23161852, 25823446, 27272900, 30209399). This variant has been detected in at least eight individuals affected with breast and/or ovarian cancer and additional suspected hereditary breast and ovarian cancer families (PMID: 9808526, 22752604, 22923021, 26852130, 32894085). Other missense substitutions at this codon to serine, arginine, glycine, phenylalanine and tryptophan also have been reported as disease-causing in ClinVar (variation ID 37393, 54151, 54152, 54153, 267497, 867499). This variant has been identified in 1/31396 chromosomes in the general population by the Genome Aggregation Database (gnomAD). Based on the available evidence, this variant is classified as Pathogenic.

This study involves interpretation of variants in research participants for the purpose of population health screening. Participant phenotype was not available at the time of variant classification. Additional details can be found in publication PMID: 35346344, PMCID: PMC8962531